The following is an entry in ClinVar:

ClinVar aggregate classification (germline): Likely benign. Review status: reviewed by expert panel (3 of 4 stars). 2 submissions from 2 submitters: Likely benign (1). 1 of the submissions does not count toward it. Last evaluated 2024-09-10.

Conditions:
Hereditary thrombocytopenia and hematologic cancer predisposition syndrome. Identifiers: Orphanet 71290, MedGen CN281654, MONDO:0011071.
Hereditary thrombocytopenia and hematological cancer predisposition syndrome associated with RUNX1. Also called: PLATELET DISORDER, ASPIRIN-LIKE; RUNX1 Familial Platelet Disorder with Associated Myeloid Malignancies; Familial Platelet Disorder with Propensity to Acute Myelogenous Leukemia; Familial thrombocytopenia with propensity to acute myelogenous leukemia. Identifiers: Orphanet 71290, MedGen C1832388, MeSH C563324, MONDO:0100083, OMIM 601399.

Allele frequency attached by ClinVar (database versions not stated): gnomAD exomes below 0.00001.
gnomAD v4.1: 3 of 1,614,190 alleles (0.00019%); highest among the groups gnomAD compares: Admixed American, 0.0017%; no homozygotes.

Submissions (2):

ClinGen Myeloid Malignancy Variant Curation Expert Panel
Classification: Likely benign for Hereditary thrombocytopenia and hematologic cancer predisposition syndrome. Last evaluated: 2024-09-10. Review status: reviewed by expert panel. Criteria: ClinGen MyeloMalig ACMG Specifications v2. Collection method: curation. Allele origin: germline. Inheritance: Autosomal dominant inheritance.
Comment: NM_001754.5(RUNX1):c.558C>G (p.Val186=) is a synonymous variant which has a SpliceAI score ≤ 0.20 (0.0) (BP4). This variant has a SpliceAI score ≤ 0.20 (0.0) and evolutionary conservation algorithms predict the site as not being conserved (PhyloP score ≤ 2.0 (-1.39)) (BP7). In summary, this variant meets criteria to be classified as likely benign. ACMG/AMP criteria applied, as specified by the Myeloid Malignancy Variant Curation Expert Panel for RUNX1: BP4, BP7.

Labcorp Genetics (formerly Invitae), Labcorp
Classification: Likely benign for Hereditary thrombocytopenia and hematological cancer predisposition syndrome associated with RUNX1. Last evaluated: 2025-10-13. Review status: criteria provided, single submitter. Criteria: Invitae Variant Classification Sherloc (09022015). Collection method: clinical testing. Allele origin: germline. Not counted in ClinVar's aggregate classification.

NM_001754.5(RUNX1):c.558C>G (p.Val186=)

Genes: RUNX1-AS1 (RUNX1 antisense RNA 1; plus strand), RUNX1 (RUNX family transcription factor 1; minus strand). Cytogenetic location: 21q22.12.
Variant type: single nucleotide variant.
Coding change: c.558C>G on transcript NM_001754.5 (MANE Select); coding-DNA position 558, C replaced by G.
Protein change: p.Val186=; no amino-acid change (valine 186 retained).
Molecular consequence: synonymous variant.
Genome position (GRCh38, 1-based): chr21:34,859,529, G>C on the plus strand (C>G on the coding strand, the complement: RUNX1 is on the minus strand). VCF-style: chr21-34859529-G-C. GRCh37 (hg19) VCF-style: chr21-36231826-G-C.
Other names: NM_001754.5(RUNX1):c.558C>G; p.Val186=; c.477C>G, p.Val159= (NM_001001890.3, NM_001122607.2).
Identifiers: ClinVar variation 1094238 (VCV001094238.12), dbSNP rs938065676, ClinGen allele CA512319101.